The following is an entry in ClinVar:

ClinVar aggregate classification (germline): Conflicting classifications of pathogenicity. Review status: criteria provided, conflicting classifications (1 of 4 stars). 15 submissions from 11 submitters: Uncertain significance (4); Benign (5); Likely benign (5). 1 of the submissions does not count toward it. Last evaluated 2026-09-01.

Conditions:
TTN-related disorder. Also called: TTN-related disorders; TTN-related condition; TTN-related disease.
Cardiovascular phenotype. Identifiers: MedGen CN230736.
Dilated cardiomyopathy 1G (CMD1G). Identifiers: Orphanet 154, MedGen C1858763, MONDO:0011400, OMIM 604145.
Autosomal recessive limb-girdle muscular dystrophy type 2J (LGMDR10). Also called: MUSCULAR DYSTROPHY, LIMB-GIRDLE, AUTOSOMAL RECESSIVE 10; Limb-girdle muscular dystrophy, type 2J. Identifiers: Orphanet 140922, MedGen C1837342, MONDO:0012127, OMIM 608807.
Cardiomyopathy (CMYO). Also called: Cardiomyopathies. Identifiers: Orphanet 167848, MedGen C0878544, MONDO:0004994, HP:0001638. Inheritance: Various modes of inheritance.
Tibial muscular dystrophy (TMD). Also called: Udd Distal Myopathy – Tibial Muscular Dystrophy; UDD MYOPATHY; Tibial muscular dystrophy, tardive. Identifiers: Orphanet 609, MedGen C1838244, MONDO:0010870, OMIM 600334.
Early-onset myopathy with fatal cardiomyopathy (CMYO5). Also called: CONGENITAL MYOPATHY 5 WITH CARDIOMYOPATHY; Salih Myopathy. Identifiers: Orphanet 289377, MedGen C2673677, MONDO:0012714, OMIM 611705. Disease mechanism: loss of function.
Myopathy, myofibrillar, 9, with early respiratory failure (MFM9). Also called: EDSTROM MYOPATHY; Hereditary myopathy with early respiratory failure; MYOPATHY, PROXIMAL, WITH EARLY RESPIRATORY MUSCLE INVOLVEMENT; Myopathy, distal, with early respiratory failure, autosomal dominant. Identifiers: Orphanet 178464, Orphanet 34521, MedGen C1863599, MONDO:0011362, OMIM 603689.

Allele frequency attached by ClinVar (database versions not stated): gnomAD 0.00002 and 0.00019; TOPMed 0.00007; gnomAD exomes 0.00031 and 0.00058; ExAC 0.00062; 1000 Genomes Project 30x 0.00156; 1000 Genomes Project 0.00160.
gnomAD v4.1: 487 of 1,613,418 alleles (0.03%); highest among the groups gnomAD compares: South Asian, 0.43%; 3 homozygotes.

Submissions (15):

CeGaT Center for Human Genetics Tuebingen
Classification: Likely benign. Last evaluated: 2026-09-01. Review status: criteria provided, single submitter. Criteria: CeGaT Center For Human Genetics Tuebingen Variant Classification Criteria Version 2. Collection method: clinical testing. Allele origin: germline. Affected: yes. Observed: 3 variant alleles.
Comment: TTN: BP4, BP7

Labcorp Genetics (formerly Invitae), Labcorp
Classification: Benign for Dilated cardiomyopathy 1G; Autosomal recessive limb-girdle muscular dystrophy type 2J. Last evaluated: 2026-01-28. Review status: criteria provided, single submitter. Criteria: Invitae Variant Classification Sherloc (09022015). Collection method: clinical testing. Allele origin: germline.

Molecular Diagnostic Laboratory for Inherited Cardiovascular Disease, Montreal Heart Institute
Classification: Likely benign. Last evaluated: 2025-04-09. Review status: criteria provided, single submitter. Criteria: ACMG Guidelines, 2015. Collection method: clinical testing. Allele origin: germline. Affected: no.
Comment: BP6;BP7

Blueprint Genetics
Classification: Likely benign. Last evaluated: 2024-09-05. Review status: criteria provided, single submitter. Criteria: ACMG Guidelines, 2015. Collection method: clinical testing. Allele origin: germline.

Women's Health and Genetics/Laboratory Corporation of America, LabCorp
Classification: Benign. Last evaluated: 2022-10-09. Review status: criteria provided, single submitter. Criteria: LabCorp Variant Classification Summary - May 2015. Collection method: clinical testing. Allele origin: germline.

GeneDx
Classification: Likely benign. Last evaluated: 2018-01-26. Review status: criteria provided, single submitter. Criteria: GeneDx Variant Classification (06012015). Collection method: clinical testing. Allele origin: germline. Affected: yes.
Comment: This variant is considered likely benign or benign based on one or more of the following criteria: it is a conservative change, it occurs at a poorly conserved position in the protein, it is predicted to be benign by multiple in silico algorithms, and/or has population frequency not consistent with disease.

Illumina Laboratory Services, Illumina
Classification: Uncertain significance for Early-onset myopathy with fatal cardiomyopathy. Last evaluated: 2018-01-12. Review status: criteria provided, single submitter. Criteria: ICSL Variant Classification Criteria 13 December 2019. Collection method: clinical testing. Allele origin: germline.

Illumina Laboratory Services, Illumina
Classification: Benign for Tibial muscular dystrophy. Last evaluated: 2018-01-12. Review status: criteria provided, single submitter. Criteria: ICSL Variant Classification Criteria 13 December 2019. Collection method: clinical testing. Allele origin: germline.
Comment: This variant was observed in the ICSL laboratory as part of a predisposition screen in an ostensibly healthy population. It had not been previously curated by ICSL or reported in the Human Gene Mutation Database (HGMD: prior to June 1st, 2018), and was therefore a candidate for classification through an automated scoring system. Utilizing variant allele frequency, disease prevalence and penetrance estimates, and inheritance mode, an automated score was calculated to assess if this variant is too frequent to cause the disease. Based on the score and internal cut-off values, a variant classified as benign is not then subjected to further curation. The score for this variant resulted in a classification of benign for this disease.

Illumina Laboratory Services, Illumina
Classification: Benign for Myopathy, myofibrillar, 9, with early respiratory failure. Last evaluated: 2018-01-12. Review status: criteria provided, single submitter. Criteria: ICSL Variant Classification Criteria 13 December 2019. Collection method: clinical testing. Allele origin: germline.
Comment: the same text as in the submission from Illumina Laboratory Services, Illumina above.

Illumina Laboratory Services, Illumina
Classification: Uncertain significance for Dilated cardiomyopathy 1G. Last evaluated: 2018-01-12. Review status: criteria provided, single submitter. Criteria: ICSL Variant Classification Criteria 13 December 2019. Collection method: clinical testing. Allele origin: germline.

Illumina Laboratory Services, Illumina
Classification: Uncertain significance for Autosomal recessive limb-girdle muscular dystrophy type 2J. Last evaluated: 2018-01-12. Review status: criteria provided, single submitter. Criteria: ICSL Variant Classification Criteria 13 December 2019. Collection method: clinical testing. Allele origin: germline.

Eurofins Ntd Llc (ga)
Classification: Benign. Last evaluated: 2017-12-22. Review status: criteria provided, single submitter. Criteria: EGL Classification Definitions 2015. Collection method: clinical testing. Allele origin: germline. Observed: 3 variant alleles, 3 heterozygotes.

CHEO Genetics Diagnostic Laboratory, Children's Hospital of Eastern Ontario
Classification: Uncertain significance for Cardiomyopathy. Last evaluated: 2015-12-30. Review status: criteria provided, single submitter. Criteria: ACMG Guidelines, 2015. Collection method: clinical testing. Allele origin: germline. Study: Canadian Open Genetics Repository.

Ambry Genetics
Classification: Likely benign for Cardiovascular phenotype. Last evaluated: 2015-11-10. Review status: criteria provided, single submitter. Criteria: Ambry Variant Classification Scheme 2023. Collection method: clinical testing. Allele origin: germline.

PreventionGenetics, part of Exact Sciences
Classification: Likely benign for TTN-related condition. Last evaluated: 2019-09-17. Review status: no assertion criteria provided. Collection method: clinical testing. Allele origin: germline. Not counted in ClinVar's aggregate classification.
Comment: This variant is classified as likely benign based on ACMG/AMP sequence variant interpretation guidelines (Richards et al. 2015 PMID: 25741868, with internal and published modifications).

NM_001267550.2(TTN):c.67809G>A (p.Ala22603=)

Genes: TTN (titin; minus strand), TTN-AS1 (TTN antisense RNA 1; plus strand), LOC126806423 (CDK7 strongly-dependent group 2 enhancer GRCh37_chr2:179443309-179444508; plus strand). Cytogenetic location: 2q31.2.
Variant type: single nucleotide variant.
Coding change: c.67809G>A on transcript NM_001267550.2 (MANE Select); coding-DNA position 67809, G replaced by A.
Protein change: p.Ala22603=; no amino-acid change (alanine 22603 retained).
Molecular consequence: synonymous variant.
Genome position (GRCh38, 1-based): chr2:178,579,221, C>T on the plus strand (G>A on the coding strand, the complement: TTN is on the minus strand). VCF-style: chr2-178579221-C-T. GRCh37 (hg19) VCF-style: chr2-179443948-C-T.
Other names: c.62886G>A, p.Ala20962= (NM_001256850.1); c.40614G>A, p.Ala13538= (NM_003319.4); c.60105G>A, p.Ala20035= (NM_133378.4); c.40989G>A, p.Ala13663= (NM_133432.3); c.41190G>A, p.Ala13730= (NM_133437.4).
Identifiers: ClinVar variation 238829 (VCV000238829.37), dbSNP rs548223512, ClinGen allele CA1991233.